The following is an entry in ClinVar:

NM_002133.3(HMOX1):c.847G>A (p.Val283Ile)

Gene: HMOX1 (heme oxygenase 1; plus strand). Cytogenetic location: 22q12.3.
Variant type: single nucleotide variant.
Coding change: c.847G>A on transcript NM_002133.3 (MANE Select); coding-DNA position 847, G replaced by A.
Protein change: p.Val283Ile; replaces valine 283 with isoleucine.
Molecular consequence: missense variant.
Genome position (GRCh38, 1-based): chr22:35,393,578, G>A. VCF-style: chr22-35393578-G-A. GRCh37 (hg19) VCF-style: chr22-35789571-G-A.
Other names: short protein forms V283I.
Identifiers: ClinVar variation 1429288 (VCV001429288.3), dbSNP rs944783473, ClinGen allele CA10204853.

ClinVar aggregate classification (germline): Uncertain significance (1 of 4 stars; one submission).

Allele frequency attached by ClinVar (database versions not stated): gnomAD 0.00001; ExAC 0.00007; TOPMed 0.00008; gnomAD exomes 0.00009 and 0.00017.
gnomAD v4.1: 53 of 1,614,106 alleles (0.0033%); highest among the groups gnomAD compares: Admixed American, 0.088%; no homozygotes.

Submission:

Labcorp Genetics (formerly Invitae), Labcorp
Classification: Uncertain significance. Last evaluated: 2022-10-18. Review status: criteria provided, single submitter. Criteria: Invitae Variant Classification Sherloc (09022015). Collection method: clinical testing. Allele origin: germline.
Comment: This sequence change replaces valine, which is neutral and non-polar, with isoleucine, which is neutral and non-polar, at codon 283 of the HMOX1 protein (p.Val283Ile). This variant is present in population databases (no rsID available, gnomAD 0.1%). This variant has not been reported in the literature in individuals affected with HMOX1-related conditions. ClinVar contains an entry for this variant (Variation ID: 1429288). Algorithms developed to predict the effect of missense changes on protein structure and function (SIFT, PolyPhen-2, Align-GVGD) all suggest that this variant is likely to be tolerated. In summary, the available evidence is currently insufficient to determine the role of this variant in disease. Therefore, it has been classified as a Variant of Uncertain Significance.